The following is an entry in ClinVar:

ClinVar aggregate classification (germline): Likely benign (1 of 4 stars; one submission).

gnomAD v4.1: 112 of 1,526,976 alleles (0.0073%); highest among the groups gnomAD compares: South Asian, 0.13%; 27 homozygotes.

Submission:

CeGaT Center for Human Genetics Tuebingen
Classification: Likely benign. Last evaluated: 2022-07-01. Review status: criteria provided, single submitter. Criteria: CeGaT Center For Human Genetics Tuebingen Variant Classification Criteria Version 2. Collection method: clinical testing. Allele origin: germline. Affected: yes. Observed: 1 variant allele.
Comment: CFHR3: BP4, BS2

NM_021023.6(CFHR3):c.934A>G (p.Ile312Val)

Gene: CFHR3 (complement factor H related 3; plus strand). Cytogenetic location: 1q31.3.
Variant type: single nucleotide variant.
Coding change: c.934A>G on transcript NM_021023.6 (MANE Select); coding-DNA position 934, A replaced by G.
Protein change: p.Ile312Val; replaces isoleucine 312 with valine.
Molecular consequence: missense variant.
Genome position (GRCh38, 1-based): chr1:196,793,454, A>G. VCF-style: chr1-196793454-A-G. GRCh37 (hg19) VCF-style: chr1-196762584-A-G.
Other names: c.751A>G, p.Ile251Val (NM_001166624.2); short protein forms I251V, I312V.
Identifiers: ClinVar variation 2639693 (VCV002639693.24), dbSNP rs73073594, ClinGen allele CA1306326.